The following is an entry in ClinVar:

NM_006648.4(WNK2):c.6052G>A (p.Ala2018Thr)

Gene: WNK2 (WNK lysine deficient protein kinase 2; plus strand). Cytogenetic location: 9q22.31.
Variant type: single nucleotide variant.
Coding change: c.6052G>A on transcript NM_006648.4 (MANE Select); coding-DNA position 6052, G replaced by A.
Protein change: p.Ala2018Thr; replaces alanine 2018 with threonine.
Molecular consequence: missense variant.
Genome position (GRCh38, 1-based): chr9:93,299,198, G>A. VCF-style: chr9-93299198-G-A. GRCh37 (hg19) VCF-style: chr9-96061480-G-A.
Other names: c.6163G>A, p.Ala2055Thr (NM_001282394.3); short protein forms A2055T, A2018T.
Identifiers: ClinVar variation 3982015 (VCV003982015.1).

ClinVar aggregate classification (germline): Uncertain significance (1 of 4 stars; one submission).

gnomAD v4.1: 2 of 1,601,272 alleles (0.00012%); highest among the groups gnomAD compares: East Asian, 0.0022%; no homozygotes.

Submission:

Ambry Genetics
Classification: Uncertain significance. Last evaluated: 2025-05-08. Review status: criteria provided, single submitter. Criteria: Ambry Variant Classification Scheme 2023. Collection method: clinical testing. Allele origin: germline.
Comment: The p.A2018T variant (also known as c.6052G>A), located in coding exon 24 of the WNK2 gene, results from a G to A substitution at nucleotide position 6052. The alanine at codon 2018 is replaced by threonine, an amino acid with similar properties. This amino acid position is conserved. In addition, the in silico prediction for this alteration is inconclusive. Based on the available evidence, the clinical significance of this variant remains unclear.